The following is an entry in ClinVar:

NM_001374385.1(ATP8B1):c.14G>A (p.Arg5Lys)

Gene: ATP8B1 (ATPase phospholipid transporting 8B1; minus strand). Cytogenetic location: 18q21.31.
Variant type: single nucleotide variant.
Coding change: c.14G>A on transcript NM_001374385.1 (MANE Select); coding-DNA position 14, G replaced by A.
Protein change: p.Arg5Lys; replaces arginine 5 with lysine.
Molecular consequence: missense variant. On other transcripts: 5 prime UTR variant (1).
Genome position (GRCh38, 1-based): chr18:57,731,794, C>T on the plus strand (G>A on the coding strand, the complement: ATP8B1 is on the minus strand). VCF-style: chr18-57731794-C-T. GRCh37 (hg19) VCF-style: chr18-55399026-C-T.
Other names: c.-39G>A (NM_001374386.1); c.14G>A, p.Arg5Lys (NM_005603.6); short protein forms R5K.
Identifiers: ClinVar variation 892429 (VCV000892429.6), dbSNP rs960179853, ClinGen allele CA300871513.
Genomic context (GRCh38, chr18:57,731,794, plus strand): 5'-CTGTAGGGAACCACTTCGTCATTAGGCTGAGAATCCTCGTCAAATGTCGTTTCTGAGTCT[C>T]TTTCTGTACTCATTCTGCTGGCAAATTGGAACTACCTGCTTAAAAGGAAAGAGAAACCAG-3'
Protein context (NP_001361314.1, residues 1-15): MSTE[Arg5Lys]DSETTFDEDS

ClinVar aggregate classification (germline): Uncertain significance. Review status: criteria provided, multiple submitters, no conflicts (2 of 4 stars). 3 submissions from 3 submitters: Uncertain significance (3). Last evaluated 2026-05-01.

Conditions:
Inborn genetic diseases. Identifiers: MedGen C0950123, MeSH D030342.
ATP8B1-related disorder. Also called: ATP8B1-related condition; ATP8B1-related disorders.
Progressive familial intrahepatic cholestasis type 1. Also called: Byler's disease; BYLER DISEASE; Severe ATP8B1 Deficiency (Progressive Familial Intrahepatic Cholestasis Type 1 [PFIC1]). Identifiers: Orphanet 79306, MedGen C4551898, MONDO:0008892, OMIM 211600.

Allele frequency attached by ClinVar (database versions not stated): gnomAD exomes 0.00001; TOPMed 0.00003; gnomAD 0.00004.
gnomAD v4.1: 15 of 1,613,948 alleles (0.00093%); highest among the groups gnomAD compares: African/African-American, 0.0053%; no homozygotes.

Submissions (3):

PreventionGenetics, part of Exact Sciences
Classification: Uncertain significance for ATP8B1-related condition. Last evaluated: 2026-05-01. Review status: criteria provided, single submitter. Criteria: ACMG Guidelines, 2015. Collection method: clinical testing. Allele origin: germline.
Comment: The ATP8B1 c.14G>A variant is predicted to result in the amino acid substitution p.Arg5Lys. To our knowledge, this variant has not been reported in the literature. This variant is reported in 0.0080% of alleles in individuals of African descent in gnomAD. At this time, the clinical significance of this variant is uncertain due to the absence of conclusive functional and genetic evidence.

Ambry Genetics
Classification: Uncertain significance for Inborn genetic diseases. Last evaluated: 2025-08-02. Review status: criteria provided, single submitter. Criteria: Ambry Variant Classification Scheme 2023. Collection method: clinical testing. Allele origin: germline.

Illumina Laboratory Services, Illumina
Classification: Uncertain significance for Progressive familial intrahepatic cholestasis type 1. Last evaluated: 2018-01-13. Review status: criteria provided, single submitter. Criteria: ICSL Variant Classification Criteria 13 December 2019. Collection method: clinical testing. Allele origin: germline.